The following is an entry in ClinVar:

NM_000064.4(C3):c.4851-1G>T

Gene: C3 (complement C3; minus strand). Cytogenetic location: 19p13.3.
Variant type: single nucleotide variant.
Coding change: c.4851-1G>T on transcript NM_000064.4 (MANE Select); the canonical splice acceptor site of the intron before coding-DNA position 4851, G replaced by T.
Molecular consequence: splice acceptor variant.
Genome position (GRCh38, 1-based): chr19:6,678,024, C>A on the plus strand (G>T on the coding strand, the complement: C3 is on the minus strand). VCF-style: chr19-6678024-C-A. GRCh37 (hg19) VCF-style: chr19-6678035-C-A.
Identifiers: ClinVar variation 1368400 (VCV001368400.7), dbSNP rs112179814, ClinGen allele CA304770530.

ClinVar aggregate classification (germline): Uncertain significance (1 of 4 stars; one submission).

Submissions (2):

Labcorp Genetics (formerly Invitae), Labcorp
Classification: Uncertain significance. Last evaluated: 2025-02-02. Review status: criteria provided, single submitter. Criteria: Invitae Variant Classification Sherloc (09022015). Collection method: clinical testing. Allele origin: germline.
Comment: This sequence change affects an acceptor splice site in intron 40 of the C3 gene. While this variant is not anticipated to result in nonsense mediated decay, it likely alters RNA splicing and results in a disrupted protein product. This variant is present in population databases (no rsID available, gnomAD 0.004%). This variant has not been reported in the literature in individuals affected with C3-related conditions. ClinVar contains an entry for this variant (Variation ID: 1368400). Variants that disrupt the consensus splice site are a relatively common cause of aberrant splicing (PMID: 17576681, 9536098). Algorithms developed to predict the effect of sequence changes on RNA splicing suggest that this variant may disrupt the consensus splice site. In summary, the available evidence is currently insufficient to determine the role of this variant in disease. Therefore, it has been classified as a Variant of Uncertain Significance.

Dr. Peter K. Rogan Lab, Western University
No classification provided (evidence only). Condition: Nonpapillary renal cell carcinoma. Review status: no classification provided. Collection method: in vitro. Allele origin: not applicable. Functional consequence: retained intron. Not counted in ClinVar's aggregate classification.

Literature cited by the submitters: PubMed 17576681 (cited by Labcorp Genetics (formerly Invitae), Labcorp); PubMed 9536098 (cited by Labcorp Genetics (formerly Invitae), Labcorp).